The following is an entry in ClinVar:

NM_001018115.3(FANCD2):c.4281+77C>T

Genes: FANCD2 (FA complementation group D2; plus strand), FANCD2OS (FANCD2 opposite strand; minus strand). Cytogenetic location: 3p25.3.
Variant type: single nucleotide variant.
Coding change: c.4281+77C>T on transcript NM_001018115.3 (MANE Select); 77 bases into the intron after coding-DNA position 4281, C replaced by T.
Molecular consequence: intron variant. On other transcripts: missense variant (2).
Genome position (GRCh38, 1-based): chr3:10,098,892, C>T. VCF-style: chr3-10098892-C-T. GRCh37 (hg19) VCF-style: chr3-10140576-C-T.
Other names: c.4319C>T, p.Thr1440Ile (NM_001374254.1); c.4358C>T, p.Thr1453Ile (NM_033084.6); c.4281+77C>T (NM_001319984.2); c.4170+77C>T (NM_001374253.1); c.*43+5306G>A (NM_173472.2); short protein forms T1440I, T1453I.
Identifiers: ClinVar variation 835101 (VCV000835101.8), dbSNP rs748421381, ClinGen allele CA2250678.

ClinVar aggregate classification (germline): Uncertain significance (1 of 4 stars; one submission).

Conditions:
Fanconi anemia (FA). Also called: Fanconi's anemia. Identifiers: Orphanet 84, MedGen C0015625, MeSH D005199, MONDO:0019391.

Allele frequency attached by ClinVar (database versions not stated): ExAC 0.00001; gnomAD exomes 0.00001 and below 0.00001; TOPMed 0.00001.
gnomAD v4.1: 3 of 1,614,214 alleles (0.00019%); highest among the groups gnomAD compares: East Asian, 0.0045%; no homozygotes.

Submission:

Labcorp Genetics (formerly Invitae), Labcorp
Classification: Uncertain significance for Fanconi anemia. Last evaluated: 2025-02-09. Review status: criteria provided, single submitter. Criteria: Invitae Variant Classification Sherloc (09022015). Collection method: clinical testing. Allele origin: germline.
Comment: This sequence change replaces threonine, which is neutral and polar, with isoleucine, which is neutral and non-polar, at codon 1453 of the FANCD2 protein (p.Thr1453Ile). This variant is present in population databases (rs748421381, gnomAD 0.01%). This variant has not been reported in the literature in individuals affected with FANCD2-related conditions. ClinVar contains an entry for this variant (Variation ID: 835101). An algorithm developed to predict the effect of missense changes on protein structure and function outputs the following: PolyPhen-2: "Not Available". The isoleucine amino acid residue is found in multiple mammalian species, which suggests that this missense change does not adversely affect protein function. In summary, the available evidence is currently insufficient to determine the role of this variant in disease. Therefore, it has been classified as a Variant of Uncertain Significance.